The following is an entry in ClinVar:

NM_001256545.2(MEGF10):c.1178G>A (p.Gly393Glu)

Gene: MEGF10 (multiple EGF like domains 10; plus strand). Cytogenetic location: 5q23.2.
Variant type: single nucleotide variant.
Coding change: c.1178G>A on transcript NM_001256545.2 (MANE Select); coding-DNA position 1178, G replaced by A.
Protein change: p.Gly393Glu; replaces glycine 393 with glutamic acid.
Molecular consequence: missense variant.
Genome position (GRCh38, 1-based): chr5:127,417,685, G>A. VCF-style: chr5-127417685-G-A. GRCh37 (hg19) VCF-style: chr5-126753377-G-A.
Other names: c.1178G>A, p.Gly393Glu (NM_001308119.2, NM_001308121.2, NM_032446.3); short protein forms G393E.
Identifiers: ClinVar variation 2056990 (VCV002056990.3), dbSNP rs986836353, ClinGen allele CA126943318.

ClinVar aggregate classification (germline): Uncertain significance (1 of 4 stars; one submission).

Conditions:
MEGF10-related myopathy (CMYO10A). Also called: Congenital myopathy 10A, severe variant. Identifiers: Orphanet 439212, MedGen C3280679, MONDO:0013731, OMIM 614399.

Allele frequency attached by ClinVar (database versions not stated): TOPMed below 0.00001; gnomAD 0.00001; gnomAD exomes 0.00001.

Submission:

Labcorp Genetics (formerly Invitae), Labcorp
Classification: Uncertain significance for MEGF10-related myopathy. Last evaluated: 2022-06-17. Review status: criteria provided, single submitter. Criteria: Invitae Variant Classification Sherloc (09022015). Collection method: clinical testing. Allele origin: germline.
Comment: In summary, the available evidence is currently insufficient to determine the role of this variant in disease. Therefore, it has been classified as a Variant of Uncertain Significance. Algorithms developed to predict the effect of missense changes on protein structure and function (SIFT, PolyPhen-2, Align-GVGD) all suggest that this variant is likely to be disruptive. This variant has not been reported in the literature in individuals affected with MEGF10-related conditions. This variant is not present in population databases (gnomAD no frequency). This sequence change replaces glycine, which is neutral and non-polar, with glutamic acid, which is acidic and polar, at codon 393 of the MEGF10 protein (p.Gly393Glu).